The following is an entry in ClinVar:

NM_033004.4(NLRP1):c.3721G>A (p.Val1241Ile)

Gene: NLRP1 (NLR family pyrin domain containing 1; minus strand). Cytogenetic location: 17p13.2.
Variant type: single nucleotide variant.
Coding change: c.3721G>A on transcript NM_033004.4 (MANE Select); coding-DNA position 3721, G replaced by A.
Protein change: p.Val1241Ile; replaces valine 1241 with isoleucine.
Molecular consequence: missense variant.
Genome position (GRCh38, 1-based): chr17:5,521,586, C>T on the plus strand (G>A on the coding strand, the complement: NLRP1 is on the minus strand). VCF-style: chr17-5521586-C-T. GRCh37 (hg19) VCF-style: chr17-5424906-C-T.
Other names: p.Val1241Ile; c.3733G>A, p.Val1245Ile (NM_001033053.3); c.3721G>A, p.Val1241Ile (NM_014922.5); c.3631G>A, p.Val1211Ile (NM_033006.4, NM_033007.4); short protein forms V1211I, V1241I, V1245I.
Identifiers: ClinVar variation 1088096 (VCV001088096.13), dbSNP rs11653832, ClinGen allele CA8326761.

ClinVar aggregate classification (germline): Conflicting classifications of pathogenicity. Review status: criteria provided, conflicting classifications (1 of 4 stars). 3 submissions from 3 submitters: Uncertain significance (1); Likely benign (2). Last evaluated 2026-02-01.

Allele frequency attached by ClinVar (database versions not stated): 1000 Genomes Project 0.00100; 1000 Genomes Project 30x 0.00109.
gnomAD v4.1: 553 of 1,613,986 alleles (0.034%); highest among the groups gnomAD compares: Admixed American, 0.23%; 1 homozygote.

Submissions (3):

Labcorp Genetics (formerly Invitae), Labcorp
Classification: Likely benign. Last evaluated: 2026-02-01. Review status: criteria provided, single submitter. Criteria: Invitae Variant Classification Sherloc (09022015). Collection method: clinical testing. Allele origin: germline.

Mayo Clinic Laboratories, Mayo Clinic
Classification: Likely benign. Last evaluated: 2024-12-24. Review status: criteria provided, single submitter. Criteria: ACMG Guidelines, 2015. Collection method: clinical testing. Allele origin: germline. Observed: 1 variant allele.
Comment: BP4_strong

GeneDx
Classification: Uncertain significance. Last evaluated: 2019-08-21. Review status: criteria provided, single submitter. Criteria: GeneDx Variant Classification Process June 2021. Collection method: clinical testing. Allele origin: germline. Affected: yes.
Comment: In silico analysis, which includes protein predictors and evolutionary conservation, supports that this variant does not alter protein structure/function; Reported previously in an individual with multiple sclerosis who also harbored multiple other variants in NLRP1; the V1241I variant did not appear to segregate with the disease phenotype in the family (Bernales et al., 2018); This variant is associated with the following publications: (PMID: 28988323)